The following is an entry in ClinVar:

ClinVar aggregate classification (germline): Pathogenic/Likely pathogenic. Review status: criteria provided, multiple submitters, no conflicts (2 of 4 stars). 3 submissions from 3 submitters: Pathogenic (1); Likely pathogenic (1). 1 of the submissions does not count toward it. Last evaluated 2024-02-06.

Conditions:
Fucosidosis. Also called: ALPHA-L-FUCOSIDASE DEFICIENCY. Identifiers: Orphanet 349, MedGen C0016788, MONDO:0009254, OMIM 230000.

Allele frequency attached by ClinVar (database versions not stated): gnomAD 0.00001; ExAC 0.00002; gnomAD exomes 0.00002; TOPMed 0.00002; ESP Exome Variant Server 0.00008.

Submissions (3):

Fulgent Genetics
Classification: Likely pathogenic for Fucosidosis. Last evaluated: 2024-02-06. Review status: criteria provided, single submitter. Criteria: ACMG Guidelines, 2015. Collection method: clinical testing. Allele origin: germline.

Labcorp Genetics (formerly Invitae), Labcorp
Classification: Pathogenic for Fucosidosis. Last evaluated: 2023-01-26. Review status: criteria provided, single submitter. Criteria: Invitae Variant Classification Sherloc (09022015). Collection method: clinical testing. Allele origin: germline.
Comment: This sequence change creates a premature translational stop signal (p.Ser221Alafs*6) in the FUCA1 gene. It is expected to result in an absent or disrupted protein product. Loss-of-function variants in FUCA1 are known to be pathogenic (PMID: 10094192). This variant is present in population databases (rs774846977, gnomAD 0.003%). This premature translational stop signal has been observed in individual(s) with fucosidosis (PMID: 8401503). This variant is also known as S216fs. ClinVar contains an entry for this variant (Variation ID: 690). For these reasons, this variant has been classified as Pathogenic.

OMIM
Classification: Pathogenic for FUCOSIDOSIS. Last evaluated: 1993-08-01. Review status: no assertion criteria provided. Collection method: literature only. Allele origin: germline. Not counted in ClinVar's aggregate classification.

Literature cited by the submitters: PubMed 10094192 (cited by Labcorp Genetics (formerly Invitae), Labcorp); PubMed 8401503 (cited by Labcorp Genetics (formerly Invitae), Labcorp and OMIM).

NM_000147.5(FUCA1):c.661del (p.Ser221fs)

Gene: FUCA1 (alpha-L-fucosidase 1; minus strand). Cytogenetic location: 1p36.11.
Variant type: Deletion.
Coding change: c.661del on transcript NM_000147.5 (MANE Select); coding-DNA position 661, one base deleted (A; older notation c.661delA).
Protein change: p.Ser221fs; shifts the reading frame from serine 221.
Molecular consequence: frameshift variant. On other transcripts: non-coding transcript variant (4).
Genome position (GRCh38, 1-based): chr1:23,863,135, T deleted on the plus strand (A on the coding strand, the reverse complement: FUCA1 is on the minus strand). VCF-style (leftmost placement, unchanged base first): chr1-23863134-CT-C. GRCh37 (hg19) VCF-style: chr1-24189624-CT-C.
Other names: short protein forms S221fs.
Identifiers: ClinVar variation 690 (VCV000000690.5), dbSNP rs774846977, ClinGen allele CA686491.